The following is an entry in ClinVar:

ClinVar aggregate classification (germline): Uncertain significance. Review status: criteria provided, single submitter (1 of 4 stars). 2 submissions from 2 submitters: Uncertain significance (1). 1 of the submissions does not count toward it. Last evaluated 2019-04-07.

Conditions:
Tuberous sclerosis 2 (TSC2). Identifiers: Orphanet 805, MedGen C1860707, MONDO:0013199, OMIM 613254.

Allele frequency attached by ClinVar (database versions not stated): TOPMed below 0.00001; ExAC 0.00002; 1000 Genomes Project 30x 0.00016; 1000 Genomes Project 0.00020.
gnomAD v4.1: 5 of 1,614,072 alleles (0.00031%); highest among the groups gnomAD compares: Non-Finnish European, 0.00034%; no homozygotes.

Submissions (2):

Labcorp Genetics (formerly Invitae), Labcorp
Classification: Uncertain significance for Tuberous sclerosis 2. Last evaluated: 2019-04-07. Review status: criteria provided, single submitter. Criteria: Invitae Variant Classification Sherloc (09022015). Collection method: clinical testing. Allele origin: germline.
Comment: In summary, the available evidence is currently insufficient to determine the role of this variant in disease. Therefore, it has been classified as a Variant of Uncertain Significance. Algorithms developed to predict the effect of missense changes on protein structure and function do not agree on the potential impact of this missense change (SIFT: "Tolerated"; PolyPhen-2: "Probably Damaging"; Align-GVGD: "Class C0"). This variant has not been reported in the literature in individuals with TSC2-related conditions. This variant is present in population databases (rs571792874, ExAC 0.01%). This sequence change replaces glutamic acid with aspartic acid at codon 700 of the TSC2 protein (p.Glu700Asp). The glutamic acid residue is highly conserved and there is a small physicochemical difference between glutamic acid and aspartic acid.

Genetics and Genomic Medicine Centre, NeuroGen Healthcare, NeuroGen Healthcare
Classification: Uncertain significance. Last evaluated: 2020-09-06. Review status: no assertion criteria provided. Collection method: clinical testing. Allele origin: unknown. Affected: yes. Not counted in ClinVar's aggregate classification.

NM_000548.5(TSC2):c.2100G>T (p.Glu700Asp)

Gene: TSC2 (TSC complex subunit 2; plus strand). Cytogenetic location: 16p13.3.
Variant type: single nucleotide variant.
Coding change: c.2100G>T on transcript NM_000548.5 (MANE Select); coding-DNA position 2100, G replaced by T.
Protein change: p.Glu700Asp; replaces glutamic acid 700 with aspartic acid.
Molecular consequence: missense variant.
Genome position (GRCh38, 1-based): chr16:2,072,243, G>T. VCF-style: chr16-2072243-G-T. GRCh37 (hg19) VCF-style: chr16-2122244-G-T.
Other names: c.2100G>T, p.Glu700Asp (NM_001077183.3, NM_001114382.3, NM_001363528.2 and 3 more transcripts); c.1989G>T, p.Glu663Asp (NM_001318827.2); c.1953G>T, p.Glu651Asp (NM_001318829.2); c.1500G>T, p.Glu500Asp (NM_001318831.2); c.2133G>T, p.Glu711Asp (NM_001318832.2); short protein forms E700D, E711D, E651D, E500D, E663D.
Identifiers: ClinVar variation 836888 (VCV000836888.11), dbSNP rs571792874, ClinGen allele CA036742.
Genomic context (GRCh38, chr16:2,072,243, plus strand): 5'-TTCCGCCTCTGTCTCTAGGGTCCAGAAGGCCCTGTCCTGACGCCTCCTCTCCTCGCAGGA[G>T]TCTGACTGGAAGGTGCTGAAGCTGGTTCTGGGCAGGCTGCCTGAGTCCCTGCGCTATAAA-3'
Protein context (NP_000539.2, residues 690-710): FRVLLQCLKQ[Glu700Asp]SDWKVLKLVL